The following is an entry in ClinVar:

NM_006118.4(HAX1):c.626A>G (p.Lys209Arg)

Gene: HAX1 (HCLS1 associated protein X-1; plus strand). Cytogenetic location: 1q21.3.
Variant type: single nucleotide variant.
Coding change: c.626A>G on transcript NM_006118.4 (MANE Select); coding-DNA position 626, A replaced by G.
Protein change: p.Lys209Arg; replaces lysine 209 with arginine.
Molecular consequence: missense variant.
Genome position (GRCh38, 1-based): chr1:154,275,223, A>G. VCF-style: chr1-154275223-A-G. GRCh37 (hg19) VCF-style: chr1-154247699-A-G.
Other names: c.482A>G, p.Lys161Arg (NM_001018837.2); short protein forms K209R, K161R.
Identifiers: ClinVar variation 3656140 (VCV003656140.2).

ClinVar aggregate classification (germline): Uncertain significance. Review status: criteria provided, multiple submitters, no conflicts (2 of 4 stars). 2 submissions from 2 submitters: Uncertain significance (2). Last evaluated 2024-05-25.

Conditions:
Kostmann syndrome (SCN3). Also called: Autosomal recessive severe congenital neutropenia type 3; KOSTMANN DISEASE. Identifiers: Orphanet 99749, MedGen C5235141, MONDO:0012548, OMIM 610738.

Submissions (2):

Labcorp Genetics (formerly Invitae), Labcorp
Classification: Uncertain significance for Kostmann syndrome. Last evaluated: 2024-05-25. Review status: criteria provided, single submitter. Criteria: Invitae Variant Classification Sherloc (09022015). Collection method: clinical testing. Allele origin: germline.
Comment: This sequence change replaces lysine, which is basic and polar, with arginine, which is basic and polar, at codon 209 of the HAX1 protein (p.Lys209Arg). This variant is present in population databases (rs753259930, gnomAD 0.04%). This variant has not been reported in the literature in individuals affected with HAX1-related conditions. Advanced modeling of protein sequence and biophysical properties (such as structural, functional, and spatial information, amino acid conservation, physicochemical variation, residue mobility, and thermodynamic stability) performed at Invitae indicates that this missense variant is not expected to disrupt HAX1 protein function with a negative predictive value of 80%. In summary, the available evidence is currently insufficient to determine the role of this variant in disease. Therefore, it has been classified as a Variant of Uncertain Significance.

Blueprint Genetics
Classification: Uncertain significance. Last evaluated: 2023-02-14. Review status: criteria provided, single submitter. Criteria: ACMG Guidelines, 2015. Collection method: clinical testing. Allele origin: germline.